The following is an entry in ClinVar:

ClinVar aggregate classification (germline): Conflicting classifications of pathogenicity. Review status: criteria provided, conflicting classifications (1 of 4 stars). 2 submissions from 2 submitters: Likely pathogenic (1); Uncertain significance (1). Last evaluated 2024-01-25.

Conditions:
Early-infantile DEE. Also called: Ohtahara syndrome; Early infantile epileptic encephalopathy with suppression bursts; Early infantile epileptic encephalopathy. Identifiers: Orphanet 1934, MedGen C0393706, MONDO:0800491.

Submissions (2):

Labcorp Genetics (formerly Invitae), Labcorp
Classification: Likely pathogenic for Early-infantile DEE. Last evaluated: 2024-01-25. Review status: criteria provided, single submitter. Criteria: Invitae Variant Classification Sherloc (09022015). Collection method: clinical testing. Allele origin: germline.
Comment: This sequence change replaces tyrosine, which is neutral and polar, with histidine, which is basic and polar, at codon 1460 of the SCN1A protein (p.Tyr1460His). This variant is not present in population databases (gnomAD no frequency). This variant has not been reported in the literature in individuals affected with SCN1A-related conditions. ClinVar contains an entry for this variant (Variation ID: 871600). Advanced modeling of protein sequence and biophysical properties (such as structural, functional, and spatial information, amino acid conservation, physicochemical variation, residue mobility, and thermodynamic stability) performed at Invitae indicates that this missense variant is expected to disrupt SCN1A protein function with a positive predictive value of 95%. This variant disrupts the p.Tyr1460 amino acid residue in SCN1A. Other variant(s) that disrupt this residue have been determined to be pathogenic (PMID: 36229510). This suggests that this residue is clinically significant, and that variants that disrupt this residue are likely to be disease-causing. In summary, the currently available evidence indicates that the variant is pathogenic, but additional data are needed to prove that conclusively. Therefore, this variant has been classified as Likely Pathogenic.

CeGaT Center for Human Genetics Tuebingen
Classification: Uncertain significance. Last evaluated: 2019-10-01. Review status: criteria provided, single submitter. Criteria: CeGaT Center For Human Genetics Tuebingen Variant Classification Criteria Version 2. Collection method: clinical testing. Allele origin: germline. Affected: yes. Observed: 2 variant alleles.

Literature cited by the submitters: PubMed 36229510 (cited by Labcorp Genetics (formerly Invitae), Labcorp).

NM_001165963.4(SCN1A):c.4378T>C (p.Tyr1460His)

Genes: SCN1A (sodium voltage-gated channel alpha subunit 1; minus strand), LOC102724058 (uncharacterized LOC102724058; plus strand). Cytogenetic location: 2q24.3.
Variant type: single nucleotide variant.
Coding change: c.4378T>C on transcript NM_001165963.4 (MANE Select); coding-DNA position 4378, T replaced by C.
Protein change: p.Tyr1460His; replaces tyrosine 1460 with histidine.
Molecular consequence: missense variant. On other transcripts: non-coding transcript variant (1).
Genome position (GRCh38, 1-based): chr2:165,998,136, A>G on the plus strand (T>C on the coding strand, the complement: SCN1A is on the minus strand). VCF-style: chr2-165998136-A-G. GRCh37 (hg19) VCF-style: chr2-166854646-A-G.
Other names: c.4294T>C, p.Tyr1432His (NM_001165964.3, NM_001353957.2, NM_001353958.2); c.4378T>C, p.Tyr1460His (NM_001202435.3, NM_001353948.2); c.4345T>C, p.Tyr1449His (NM_001353949.2, NM_001353950.2, NM_001353951.2 and 2 more transcripts); c.4342T>C, p.Tyr1448His (NM_001353954.2, NM_001353955.2); c.4291T>C, p.Tyr1431His (NM_001353960.2); c.1936T>C, p.Tyr646His (NM_001353961.2); short protein forms Y1449H, Y1432H, Y1448H, Y1431H, Y1460H, Y646H.
Identifiers: ClinVar variation 871600 (VCV000871600.44), dbSNP rs1573984593, ClinGen allele CA349049425.
Genomic context (GRCh38, chr2:165,998,136, plus strand): 5'-CAATAAACAGGTTCAAGGTGAAGAAGGACCCAAAGATGATGAAAATAACAAAGTAAAGAT[A>G]CATGTACAGACTTTCTTCATACTTAGGCTGGAGTTCCACCTACCAAAGGGGAATATTTTG-3'
Protein context (NP_001159435.1, residues 1450-1470): QPKYEESLYM[Tyr1460His]LYFVIFIIFG